The following is an entry in ClinVar:

ClinVar aggregate classification (germline): Uncertain significance. Review status: criteria provided, multiple submitters, no conflicts (2 of 4 stars). 4 submissions from 4 submitters: Uncertain significance (3). 1 of the submissions does not count toward it. Last evaluated 2025-12-04.

Conditions:
Inborn genetic diseases. Identifiers: MedGen C0950123, MeSH D030342.
Methylmalonic aciduria, cblB type (MACB). Also called: Methylmalonic acidemia cblB type; METHYLMALONIC ACIDURIA, VITAMIN B12-RESPONSIVE, DUE TO DEFECT IN SYNTHESIS OF ADENOSYLCOBALAMIN, cblB TYPE; Vitamin B12-responsive methylmalonic acidemia type cblB. Identifiers: Orphanet 28, Orphanet 79311, MedGen C1855102, MONDO:0009614, OMIM 251110.

Allele frequency attached by ClinVar (database versions not stated): gnomAD 0.00001; gnomAD exomes 0.00002 and 0.00001; ExAC 0.00003.
gnomAD v4.1: 12 of 1,613,258 alleles (0.00074%); highest among the groups gnomAD compares: South Asian, 0.013%; no homozygotes.

Submissions (4):

Ambry Genetics
Classification: Uncertain significance for Inborn genetic diseases. Last evaluated: 2025-12-04. Review status: criteria provided, single submitter. Criteria: Ambry Variant Classification Scheme 2023. Collection method: clinical testing. Allele origin: germline.

Labcorp Genetics (formerly Invitae), Labcorp
Classification: Uncertain significance for Methylmalonic aciduria, cblB type. Last evaluated: 2022-03-09. Review status: criteria provided, single submitter. Criteria: Invitae Variant Classification Sherloc (09022015). Collection method: clinical testing. Allele origin: germline.
Comment: This sequence change replaces valine, which is neutral and non-polar, with leucine, which is neutral and non-polar, at codon 197 of the MMAB protein (p.Val197Leu). This variant is present in population databases (rs780166156, gnomAD 0.02%). This variant has not been reported in the literature in individuals affected with MMAB-related conditions. ClinVar contains an entry for this variant (Variation ID: 965306). Algorithms developed to predict the effect of missense changes on protein structure and function (SIFT, PolyPhen-2, Align-GVGD) all suggest that this variant is likely to be tolerated. In summary, the available evidence is currently insufficient to determine the role of this variant in disease. Therefore, it has been classified as a Variant of Uncertain Significance.

Breakthrough Genomics
Classification: Uncertain significance. Review status: criteria provided, single submitter. Criteria: ACMG Guidelines, 2015. Collection method: not provided. Allele origin: germline. Inheritance: Autosomal recessive inheritance. Affected: yes.

Natera, Inc.
Classification: Uncertain significance for Methylmalonic aciduria cblB type. Last evaluated: 2021-01-26. Review status: no assertion criteria provided. Collection method: clinical testing. Allele origin: germline. Not counted in ClinVar's aggregate classification.

NM_052845.4(MMAB):c.589G>T (p.Val197Leu)

Gene: MMAB (metabolism of cobalamin associated B; minus strand). Cytogenetic location: 12q24.11.
Variant type: single nucleotide variant.
Coding change: c.589G>T on transcript NM_052845.4 (MANE Select); coding-DNA position 589, G replaced by T.
Protein change: p.Val197Leu; replaces valine 197 with leucine.
Molecular consequence: missense variant. On other transcripts: non-coding transcript variant (1).
Genome position (GRCh38, 1-based): chr12:109,559,151, C>A on the plus strand (G>T on the coding strand, the complement: MMAB is on the minus strand). VCF-style: chr12-109559151-C-A. GRCh37 (hg19) VCF-style: chr12-109996956-C-A.
Other names: short protein forms V197L.
Identifiers: ClinVar variation 965306 (VCV000965306.8), dbSNP rs780166156, ClinGen allele CA6778797.
Genomic context (GRCh38, chr12:109,559,151, plus strand): 5'-AGTACCTGTTTAAGAACTTGGCCACGTTCGCATCGGTCTCTCCCATCTGGACAAGAGGCA[C>A]CACACTAGAAAGGGAGGAGACACTGAGTCACGTGACATTATGGGGCTCAACAGGCTCTGA-3'
Protein context (NP_443077.1, residues 187-207): AVCRRAERRV[Val197Leu]PLVQMGETDA